The following is an entry in ClinVar:

ClinVar aggregate classification (germline): Uncertain significance (1 of 4 stars; one submission).

Submission:

Labcorp Genetics (formerly Invitae), Labcorp
Classification: Uncertain significance. Last evaluated: 2021-05-10. Review status: criteria provided, single submitter. Criteria: Invitae Variant Classification Sherloc (09022015). Collection method: clinical testing. Allele origin: germline.
Comment: In summary, the available evidence is currently insufficient to determine the role of this variant in disease. Therefore, it has been classified as a Variant of Uncertain Significance. Experimental studies and prediction algorithms are not available or were not evaluated, and the functional significance of this variant is currently unknown. This variant has not been reported in the literature in individuals with COL18A1-related conditions. This variant is not present in population databases (ExAC no frequency). This variant, c.843_844ins18, results in the insertion of 6 amino acid(s) to the COL18A1 protein (p.Thr281_Thr282ins6), but otherwise preserves the integrity of the reading frame.

NM_001379500.1(COL18A1):c.843_844insGCGCCACCCCCCGTCTCC (p.Thr281_Thr282insAlaProProProValSer)

Gene: COL18A1 (collagen type XVIII alpha 1 chain; plus strand). Cytogenetic location: 21q22.3.
Variant type: Insertion.
Coding change: c.843_844insGCGCCACCCCCCGTCTCC on transcript NM_001379500.1 (MANE Select); coding-DNA positions 843 to 844, GCGCCACCCCCCGTCTCC inserted.
Protein change: p.Thr281_Thr282insAlaProProProValSer.
Molecular consequence: inframe insertion.
Genome position: GRCh38 VCF-style: chr21-45476393-A-ACCGCGCCACCCCCCGTCT. GRCh37 (hg19) VCF-style: chr21-46896307-A-ACCGCGCCACCCCCCGTCT.
Other names: c.1383_1384insGCGCCACCCCCCGTCTCC, p.Thr461_Thr462insAlaProProProValSer (NM_030582.4); c.2088_2089insGCGCCACCCCCCGTCTCC, p.Thr696_Thr697insAlaProProProValSer (NM_130444.3).
Identifiers: ClinVar variation 1352818 (VCV001352818.6), dbSNP rs2145919180, ClinGen allele CA2573157572.